The following is an entry in ClinVar:

ClinVar aggregate classification (germline): Uncertain significance. Review status: criteria provided, multiple submitters, no conflicts (2 of 4 stars). 3 submissions from 3 submitters: Uncertain significance (3). Last evaluated 2024-09-15.

Conditions:
Inborn genetic diseases. Identifiers: MedGen C0950123, MeSH D030342.

Allele frequency attached by ClinVar (database versions not stated): ExAC 0.00001; gnomAD 0.00001 and 0.00002; gnomAD exomes 0.00001; TOPMed 0.00002; ESP Exome Variant Server 0.00008.

Submissions (3):

Blueprint Genetics
Classification: Uncertain significance. Last evaluated: 2024-09-15. Review status: criteria provided, single submitter. Criteria: ACMG Guidelines, 2015. Collection method: clinical testing. Allele origin: germline.

Labcorp Genetics (formerly Invitae), Labcorp
Classification: Uncertain significance. Last evaluated: 2023-07-03. Review status: criteria provided, single submitter. Criteria: Invitae Variant Classification Sherloc (09022015). Collection method: clinical testing. Allele origin: germline.
Comment: In summary, the available evidence is currently insufficient to determine the role of this variant in disease. Therefore, it has been classified as a Variant of Uncertain Significance. Algorithms developed to predict the effect of missense changes on protein structure and function output the following: SIFT: "Not Available"; PolyPhen-2: "Benign"; Align-GVGD: "Not Available". The serine amino acid residue is found in multiple mammalian species, which suggests that this missense change does not adversely affect protein function. ClinVar contains an entry for this variant (Variation ID: 862172). This variant has not been reported in the literature in individuals affected with RBP3-related conditions. This variant is present in population databases (rs140160521, gnomAD 0.003%). This sequence change replaces glycine, which is neutral and non-polar, with serine, which is neutral and polar, at codon 1053 of the RBP3 protein (p.Gly1053Ser).

Ambry Genetics
Classification: Uncertain significance for Inborn genetic diseases. Last evaluated: 2021-09-01. Review status: criteria provided, single submitter. Criteria: Ambry Variant Classification Scheme 2023. Collection method: clinical testing. Allele origin: germline.

NM_002900.3(RBP3):c.3157G>A (p.Gly1053Ser)

Gene: RBP3 (retinol binding protein 3; plus strand). Cytogenetic location: 10q11.22.
Variant type: single nucleotide variant.
Coding change: c.3157G>A on transcript NM_002900.3 (MANE Select); coding-DNA position 3157, G replaced by A.
Protein change: p.Gly1053Ser; replaces glycine 1053 with serine.
Molecular consequence: missense variant.
Genome position (GRCh38, 1-based): chr10:47,353,427, G>A. VCF-style: chr10-47353427-G-A. GRCh37 (hg19) VCF-style: chr10-48385935-C-T.
Other names: short protein forms G1053S.
Identifiers: ClinVar variation 862172 (VCV000862172.10), dbSNP rs140160521, ClinGen allele CA5487122.